The following is an entry in ClinVar:

NM_012123.4(MTO1):c.1100G>T (p.Gly367Val)

Gene: MTO1 (mitochondrial tRNA translation optimization 1; plus strand). Cytogenetic location: 6q13.
Variant type: single nucleotide variant.
Coding change: c.1100G>T on transcript NM_012123.4 (MANE Select); coding-DNA position 1100, G replaced by T.
Protein change: p.Gly367Val; replaces glycine 367 with valine.
Molecular consequence: missense variant.
Genome position (GRCh38, 1-based): chr6:73,480,097, G>T. VCF-style: chr6-73480097-G-T. GRCh37 (hg19) VCF-style: chr6-74189820-G-T.
Other names: c.1100G>T, p.Gly367Val (NM_001123226.2, NM_133645.3); short protein forms G367V.
Identifiers: ClinVar variation 943984 (VCV000943984.9), dbSNP rs1771444030, ClinGen allele CA364714916.

ClinVar aggregate classification (germline): Uncertain significance (1 of 4 stars; one submission).

Conditions:
Mitochondrial hypertrophic cardiomyopathy with lactic acidosis due to MTO1 deficiency. Also called: CARDIOMYOPATHY, INFANTILE HYPERTROPHIC MITOCHONDRIAL, AND LACTIC ACIDOSIS; Combined oxidative phosphorylation deficiency 10. Identifiers: Orphanet 314637, MedGen C4749921, MONDO:0013865, OMIM 614702.

Submission:

Labcorp Genetics (formerly Invitae), Labcorp
Classification: Uncertain significance for Mitochondrial hypertrophic cardiomyopathy with lactic acidosis due to MTO1 deficiency. Last evaluated: 2019-05-16. Review status: criteria provided, single submitter. Criteria: Invitae Variant Classification Sherloc (09022015). Collection method: clinical testing. Allele origin: germline.
Comment: This sequence change replaces glycine with valine at codon 367 of the MTO1 protein (p.Gly367Val). The glycine residue is highly conserved and there is a moderate physicochemical difference between glycine and valine. This variant is not present in population databases (ExAC no frequency). This variant has not been reported in the literature in individuals with MTO1-related conditions. Algorithms developed to predict the effect of missense changes on protein structure and function are either unavailable or do not agree on the potential impact of this missense change (SIFT: "Deleterious"; PolyPhen-2: "Probably Damaging"; Align-GVGD: "Class C0"). In summary, the available evidence is currently insufficient to determine the role of this variant in disease. Therefore, it has been classified as a Variant of Uncertain Significance.